The following is an entry in ClinVar:

NM_000089.4(COL1A2):c.820G>C (p.Gly274Arg)

Gene: COL1A2 (collagen type I alpha 2 chain; plus strand). Cytogenetic location: 7q21.3.
Variant type: single nucleotide variant.
Coding change: c.820G>C on transcript NM_000089.4 (MANE Select); coding-DNA position 820, G replaced by C.
Protein change: p.Gly274Arg; replaces glycine 274 with arginine.
Molecular consequence: missense variant.
Genome position (GRCh38, 1-based): chr7:94,409,349, G>C. VCF-style: chr7-94409349-G-C. GRCh37 (hg19) VCF-style: chr7-94038661-G-C.
Other names: short protein forms G274R.
Identifiers: ClinVar variation 4075363 (VCV004075363.2).

ClinVar aggregate classification (germline): Pathogenic. Review status: criteria provided, single submitter (1 of 4 stars). 2 submissions from 2 submitters: Pathogenic (1). 1 of the submissions does not count toward it. Last evaluated 2025-07-16.

Conditions:
Osteogenesis imperfecta with normal sclerae, dominant form (OI4). Also called: Common Variable Osteogenesis Imperfecta with Normal Sclerae; OSTEOGENESIS IMPERFECTA, TYPE IV, WITH DENTINOGENESIS IMPERFECTA; Osteogenesis Imperfecta Type IV; OSTEOGENESIS IMPERFECTA WITH NORMAL SCLERAE; Osteogenesis imperfecta type 4. Identifiers: Orphanet 216820, Orphanet 666, MedGen C0268363, MONDO:0008148, OMIM 166220.
Osteogenesis imperfecta (OI). Identifiers: Orphanet 666, MedGen C0029434, MeSH D010013, MONDO:0019019.

Submissions (2):

Clinical Biomedical Laboratory, Shriners Hospital For Children - Canada
Classification: Pathogenic for Osteogenesis imperfecta with normal sclerae, dominant form. Last evaluated: 2025-07-16. Review status: criteria provided, single submitter. Criteria: ACMG Guidelines, 2015. Collection method: clinical testing. Allele origin: germline. Affected: yes.
Comment: This variant is predicted to substitute a glycine residue by an arginine residue in the alpha 2 chain of collagen type I. Glycine substitutions in the triple helical domain of collagen type I cause disruption in the formation of the triple helix in the collagen molecule and are a typical cause of osteogenesis imperfecta. This variant is absent from Genome Aggregation Database v.2.1.1, indicating it is very rare. Prediction tools: (REVEL: 0.98) suggest that the change is detrimental to protein function. A different nucleotide change at the same position (c.820G>T; p.Gly274Cys) has been reported in the literature in an individual diagnosed with osteogenesis imperfecta (PMID: 30715774).

Narges Medical Genetic and Prenatal Diagnosis Lab
Classification: Likely pathogenic for Osteogenesis imperfecta. Review status: no assertion criteria provided. Collection method: clinical testing. Allele origin: germline. Affected: yes. Not counted in ClinVar's aggregate classification.

Literature cited by the submitters: PubMed 30715774 (cited by Clinical Biomedical Laboratory, Shriners Hospital For Children - Canada).